The following is an entry in ClinVar:

NM_006567.5(FARS2):c.467C>T (p.Thr156Met)

Genes: FARS2 (phenylalanyl-tRNA synthetase 2, mitochondrial; plus strand), LOC126859565 (CDK7 strongly-dependent group 2 enhancer GRCh37_chr6:5368745-5369944; plus strand). Cytogenetic location: 6p25.1.
Variant type: single nucleotide variant.
Coding change: c.467C>T on transcript NM_006567.5 (MANE Select); coding-DNA position 467, C replaced by T.
Protein change: p.Thr156Met; replaces threonine 156 with methionine.
Molecular consequence: missense variant. On other transcripts: intron variant (2).
Genome position (GRCh38, 1-based): chr6:5,369,037, C>T. VCF-style: chr6-5369037-C-T. GRCh37 (hg19) VCF-style: chr6-5369270-C-T.
Other names: c.467C>T, p.Thr156Met (NM_001318872.2, NM_001374875.1, NM_001374876.1 and 5 more transcripts); c.-340-27596C>T (NM_001375260.1); c.-84-35505C>T (NM_001375259.1); short protein forms T156M.
Identifiers: ClinVar variation 587677 (VCV000587677.40), dbSNP rs146988468, ClinGen allele CA3623651.

ClinVar aggregate classification (germline): Pathogenic/Likely pathogenic. Review status: criteria provided, multiple submitters, no conflicts (2 of 4 stars). 6 submissions from 6 submitters: Pathogenic (1); Likely pathogenic (5). Last evaluated 2025-09-27.

Conditions:
FARS2-related disorder. Also called: FARS2-related condition; FARS2-related disorders.
Combined oxidative phosphorylation defect type 14. Also called: Combined oxidative phosphorylation deficiency 14. Identifiers: Orphanet 319519, MedGen C4755312, MONDO:0013986, OMIM 614946.
Hereditary spastic paraplegia 77. Also called: Spastic paraplegia 77, autosomal recessive. Identifiers: Orphanet 466722, MedGen C5569007, MONDO:0014882, OMIM 617046.

Allele frequency attached by ClinVar (database versions not stated): gnomAD exomes 0.00003 and 0.00009; TOPMed 0.00005; gnomAD 0.00006; ExAC 0.00008; ESP Exome Variant Server 0.00008.
gnomAD v4.1: 49 of 1,614,154 alleles (0.003%); highest among the groups gnomAD compares: East Asian, 0.022%; no homozygotes.

Submissions (6):

Labcorp Genetics (formerly Invitae), Labcorp
Classification: Pathogenic for Combined oxidative phosphorylation defect type 14. Last evaluated: 2025-09-27. Review status: criteria provided, single submitter. Criteria: Invitae Variant Classification Sherloc (09022015). Collection method: clinical testing. Allele origin: germline.
Comment: This sequence change replaces threonine, which is neutral and polar, with methionine, which is neutral and non-polar, at codon 156 of the FARS2 protein (p.Thr156Met). This variant is present in population databases (rs146988468, gnomAD 0.06%). This missense change has been observed in individual(s) with early onset epileptic encephalopathy (PMID: 27652284, 33972171). In at least one individual the data is consistent with being in trans (on the opposite chromosome) from a pathogenic variant. ClinVar contains an entry for this variant (Variation ID: 587677). Invitae Evidence Modeling of protein sequence and biophysical properties (such as structural, functional, and spatial information, amino acid conservation, physicochemical variation, residue mobility, and thermodynamic stability) has been performed for this missense variant. However, the output from this modeling did not meet the statistical confidence thresholds required to predict the impact of this variant on FARS2 protein function. For these reasons, this variant has been classified as Pathogenic.

GeneDx
Classification: Likely pathogenic. Last evaluated: 2024-10-02. Review status: criteria provided, single submitter. Criteria: GeneDx Variant Classification Process June 2021. Collection method: clinical testing. Allele origin: germline. Affected: yes.
Comment: In silico analysis supports that this missense variant has a deleterious effect on protein structure/function; This variant is associated with the following publications: (PMID: 30177229, 35794642, 33972171, 27652284, 38166857, 33726816)

Blueprint Genetics
Classification: Likely pathogenic for FARS2-related disorders. Last evaluated: 2024-09-05. Review status: criteria provided, single submitter. Criteria: ACMG Guidelines, 2015. Collection method: clinical testing. Allele origin: germline. Affected: yes. Observed: 5 variant alleles.

CeGaT Center for Human Genetics Tuebingen
Classification: Likely pathogenic. Last evaluated: 2023-07-01. Review status: criteria provided, single submitter. Criteria: CeGaT Center For Human Genetics Tuebingen Variant Classification Criteria Version 2. Collection method: clinical testing. Allele origin: germline. Affected: yes. Observed: 1 variant allele.
Comment: FARS2: PM3:Strong, PM2

Wong Mito Lab, Molecular and Human Genetics, Baylor College of Medicine
Classification: Likely pathogenic for Combined oxidative phosphorylation deficiency 14. Last evaluated: 2018-06-13. Review status: criteria provided, single submitter. Criteria: ACMG Guidelines, 2015. Collection method: clinical testing. Allele origin: germline. Affected: yes.

Juno Genomics, Hangzhou Juno Genomics, Inc
Classification: Likely pathogenic for Combined oxidative phosphorylation defect type 14; Hereditary spastic paraplegia 77. Review status: criteria provided, single submitter. Criteria: ACMG Guidelines, 2015. Collection method: clinical testing. Allele origin: germline.
Comment: Absent from controls (or at extremely low frequency if recessive) in Genome Aggregation Database.;For recessive disorders, detected in trans with a pathogenic variant.;Patient's phenotype or family history is highly specific for a disease with a single genetic etiology.

Literature cited by the submitters: PubMed 27652284 (cited by Labcorp Genetics (formerly Invitae), Labcorp and Wong Mito Lab, Molecular and Human Genetics, Baylor College of Medicine); PubMed 33972171 (cited by Labcorp Genetics (formerly Invitae), Labcorp).